The following is an entry in ClinVar:

ClinVar aggregate classification (germline): Conflicting classifications of pathogenicity. Review status: criteria provided, conflicting classifications (1 of 4 stars). 3 submissions from 3 submitters: Likely pathogenic (1); Uncertain significance (2). Last evaluated 2025-04-17.

Conditions:
Von Hippel-Lindau syndrome (VHLS). Also called: Von Hippel-Lindau; von Hippel–Lindau syndrome; VHL syndrome. Identifiers: Orphanet 892, MedGen C0019562, MONDO:0008667, OMIM 193300. Disease mechanism: loss of function.
Chuvash polycythemia. Also called: POLYCYTHEMIA, VHL-DEPENDENT. Identifiers: Orphanet 238557, MedGen C1837915, MONDO:0009892, OMIM 263400.
Hereditary cancer-predisposing syndrome. Also called: Hereditary Cancer Syndrome; Hereditary neoplastic syndrome; Tumor predisposition; Neoplastic Syndromes, Hereditary. Identifiers: Orphanet 140162, MedGen C0027672, MeSH D009386, MONDO:0015356.

Allele frequency attached by ClinVar (database versions not stated): gnomAD 0.00001.
gnomAD v4.1: 1 of 1,613,838 alleles (0.000062%); highest among the groups gnomAD compares: African/African-American, 0.0013%; no homozygotes.

Submissions (3):

Ambry Genetics
Classification: Uncertain significance for Hereditary cancer-predisposing syndrome. Last evaluated: 2025-04-17. Review status: criteria provided, single submitter. Criteria: Ambry Variant Classification Scheme 2023. Collection method: clinical testing. Allele origin: germline.
Comment: The p.D126G variant (also known as c.377A>G), located in coding exon 2 of the VHL gene, results from an A to G substitution at nucleotide position 377. The aspartic acid at codon 126 is replaced by glycine, an amino acid with similar properties. This amino acid position is highly conserved in available vertebrate species. In addition, the in silico prediction for this alteration is inconclusive. Based on the available evidence, the clinical significance of this variant remains unclear.

Labcorp Genetics (formerly Invitae), Labcorp
Classification: Likely pathogenic for Von Hippel-Lindau syndrome; Chuvash polycythemia. Last evaluated: 2024-12-03. Review status: criteria provided, single submitter. Criteria: Invitae Variant Classification Sherloc (09022015). Collection method: clinical testing. Allele origin: germline.
Comment: This sequence change replaces aspartic acid, which is acidic and polar, with glycine, which is neutral and non-polar, at codon 126 of the VHL protein (p.Asp126Gly). This variant is present in population databases (no rsID available, gnomAD 0.01%). This missense change has been observed in individual(s) with VHL-related conditions (PMID: 10612827). ClinVar contains an entry for this variant (Variation ID: 456585). Invitae Evidence Modeling of protein sequence and biophysical properties (such as structural, functional, and spatial information, amino acid conservation, physicochemical variation, residue mobility, and thermodynamic stability) indicates that this missense variant is expected to disrupt VHL protein function with a positive predictive value of 95%. This variant disrupts the p.Asp126 amino acid residue in VHL. Other variant(s) that disrupt this residue have been determined to be pathogenic (PMID: 21454469, 24729484). This suggests that this residue is clinically significant, and that variants that disrupt this residue are likely to be disease-causing. In summary, the currently available evidence indicates that the variant is pathogenic, but additional data are needed to prove that conclusively. Therefore, this variant has been classified as Likely Pathogenic.

GeneDx
Classification: Uncertain significance. Last evaluated: 2020-01-14. Review status: criteria provided, single submitter. Criteria: GeneDx Variant Classification Process June 2021. Collection method: clinical testing. Allele origin: germline. Affected: yes.
Comment: Has not been previously published as pathogenic or benign to our knowledge; Not observed at a significant frequency in large population cohorts (Lek 2016); In silico analysis, which includes protein predictors and evolutionary conservation, supports a deleterious effect; This variant is associated with the following publications: (PMID: 7915601, 8871925)

Literature cited by the submitters: PubMed 10612827 (cited by Labcorp Genetics (formerly Invitae), Labcorp); PubMed 21454469 (cited by Labcorp Genetics (formerly Invitae), Labcorp); PubMed 24729484 (cited by Labcorp Genetics (formerly Invitae), Labcorp).

NM_000551.4(VHL):c.377A>G (p.Asp126Gly)

Genes: VHL (von Hippel-Lindau tumor suppressor; plus strand), LOC107303340 (3p25 von Hippel-Lindau tumor suppressor, E3 ubiquitin protein ligase Alu-mediated recombination region; plus strand). Cytogenetic location: 3p25.3.
Variant type: single nucleotide variant.
Coding change: c.377A>G on transcript NM_000551.4 (MANE Select); coding-DNA position 377, A replaced by G.
Protein change: p.Asp126Gly; replaces aspartic acid 126 with glycine.
Molecular consequence: missense variant. On other transcripts: intron variant (2).
Genome position (GRCh38, 1-based): chr3:10,146,550, A>G. VCF-style: chr3-10146550-A-G. GRCh37 (hg19) VCF-style: chr3-10188234-A-G.
Other names: c.*18-3237A>G (NM_001354723.2); c.341-3237A>G (NM_198156.3); short protein forms D126G.
Identifiers: ClinVar variation 456585 (VCV000456585.13), dbSNP rs1354593943, ClinGen allele CA351753841.